The following is an entry in ClinVar:

ClinVar aggregate classification (germline): Uncertain significance. Review status: criteria provided, multiple submitters, no conflicts (2 of 4 stars). 2 submissions from 2 submitters: Uncertain significance (2). Last evaluated 2019-11-11.

Conditions:
Familial adenomatous polyposis 1 (FAP1). Also called: FAMILIAL ADENOMATOUS POLYPOSIS 1, ATTENUATED; POLYPOSIS, ADENOMATOUS INTESTINAL. Identifiers: MedGen C2713442, MONDO:0021056, OMIM 175100. Disease mechanism: loss of function.

Submissions (2):

Labcorp Genetics (formerly Invitae), Labcorp
Classification: Uncertain significance for Familial adenomatous polyposis 1. Last evaluated: 2019-11-11. Review status: criteria provided, single submitter. Criteria: Invitae Variant Classification Sherloc (09022015). Collection method: clinical testing. Allele origin: germline.
Comment: In summary, the available evidence is currently insufficient to determine the role of this variant in disease. Therefore, it has been classified as a Variant of Uncertain Significance. Algorithms developed to predict the effect of missense changes on protein structure and function output the following: SIFT: "Tolerated"; PolyPhen-2: "Benign"; Align-GVGD: "Class C0". The alanine amino acid residue is found in multiple mammalian species, suggesting that this missense change does not adversely affect protein function. These predictions have not been confirmed by published functional studies and their clinical significance is uncertain. This variant has not been reported in the literature in individuals with APC-related conditions. ClinVar contains an entry for this variant (Variation ID: 495375). This variant is not present in population databases (ExAC no frequency). This sequence change replaces glycine with alanine at codon 267 of the APC protein (p.Gly267Ala). The glycine residue is weakly conserved and there is a small physicochemical difference between glycine and alanine.

Women's Health and Genetics/Laboratory Corporation of America, LabCorp
Classification: Uncertain significance. Last evaluated: 2017-06-23. Review status: criteria provided, single submitter. Criteria: LabCorp Variant Classification Summary - May 2015. Collection method: clinical testing. Allele origin: germline.
Comment: Variant summary: The APC c.800G>C (p.Gly267Ala) variant involves the alteration of a conserved nucleotide, resulting in a missense change within the pyridoxal phosphate-dependent transferase, major region, subdomain 1 (InterPro). 3/4 in silico tools predict a benign outcome for this variant (SNPsandGO not captured due to non-functioning tool). This variant is absent from the large database ExAC (0/120038 control chromosomes). To our knowledge, the variant of interest has not been reported in affected individuals via publications and/or reputable databases/clinical diagnostic laboratories, nor has it been evaluated for functional impact by in vivo/vitro studies. Because of the absence of clinical information and the lack of functional studies, the variant is classified as a variant of uncertain significance (VUS) until additional information becomes available.

NM_000038.6(APC):c.800G>C (p.Gly267Ala)

Gene: APC (APC regulator of Wnt signaling pathway; plus strand). Cytogenetic location: 5q22.2.
Variant type: single nucleotide variant.
Coding change: c.800G>C on transcript NM_000038.6 (MANE Select); coding-DNA position 800, G replaced by C.
Protein change: p.Gly267Ala; replaces glycine 267 with alanine.
Molecular consequence: missense variant. On other transcripts: 5 prime UTR variant (1).
Genome position (GRCh38, 1-based): chr5:112,801,349, G>C. VCF-style: chr5-112801349-G-C. GRCh37 (hg19) VCF-style: chr5-112137046-G-C.
Other names: c.800G>C, p.Gly267Ala (NM_001127510.3, NM_001354895.2, NM_001354896.2 and 1 more transcripts); c.746G>C, p.Gly249Ala (NM_001127511.3); c.830G>C, p.Gly277Ala (NM_001354897.2, NM_001354902.2); c.725G>C, p.Gly242Ala (NM_001354898.2, NM_001354904.2); c.716G>C, p.Gly239Ala (NM_001354899.2); c.623G>C, p.Gly208Ala (NM_001354900.2, NM_001354901.2, NM_001354905.2); c.-236G>C (NM_001354906.2); short protein forms G249A, G267A, G242A, G208A, G239A, G277A.
Identifiers: ClinVar variation 495375 (VCV000495375.12), dbSNP rs747759906, ClinGen allele CA16023079.
Genomic context (GRCh38, chr5:112,801,349, plus strand): 5'-AGAACAAGCATGAAACCGGCTCACATGATGCTGAGCGGCAGAATGAAGGTCAAGGAGTGG[G>C]AGAAATCAACATGGCAACTTCTGGTAATGGTCAGGTAAATAAATTATTTTATCATATTTT-3'
Protein context (NP_000029.2, residues 257-277): AERQNEGQGV[Gly267Ala]EINMATSGNG